The following is an entry in ClinVar:

ClinVar aggregate classification (germline): Uncertain significance. Review status: criteria provided, multiple submitters, no conflicts (2 of 4 stars). 5 submissions from 5 submitters: Uncertain significance (5). Last evaluated 2025-12-31.

Conditions:
Familial thoracic aortic aneurysm and aortic dissection (TAAD). Also called: Thoracic aortic aneurysms and dissections. Identifiers: Orphanet 91387, MedGen C4707243, MONDO:0019625.
Ehlers-Danlos syndrome, type 4 (EDSVASC). Also called: Ehlers-Danlos syndrome vascular type; Ehlers Danlos syndrome, ecchymotic type; Ehlers Danlos syndrome, arterial type; Ehlers Danlos syndrome, Sack-Barabas type; Ehlers-Danlos Syndrome Type IV. Identifiers: Orphanet 286, MedGen C0268338, MONDO:0017314, OMIM 130050.

Allele frequency attached by ClinVar (database versions not stated): gnomAD exomes below 0.00001; TOPMed below 0.00001; ExAC 0.00001; gnomAD 0.00001.

Submissions (5):

Labcorp Genetics (formerly Invitae), Labcorp
Classification: Uncertain significance for Ehlers-Danlos syndrome, type 4. Last evaluated: 2025-12-31. Review status: criteria provided, single submitter. Criteria: Invitae Variant Classification Sherloc (09022015). Collection method: clinical testing. Allele origin: germline.
Comment: This sequence change replaces proline, which is neutral and non-polar, with threonine, which is neutral and polar, at codon 1270 of the COL3A1 protein (p.Pro1270Thr). This variant is present in population databases (rs756724842, gnomAD 0.0009%). This missense change has been observed in individual(s) with vascular Ehlers-Danlos (PMID: 25758994). ClinVar contains an entry for this variant (Variation ID: 580251). Invitae Evidence Modeling of protein sequence and biophysical properties (such as structural, functional, and spatial information, amino acid conservation, physicochemical variation, residue mobility, and thermodynamic stability) indicates that this missense variant is not expected to disrupt COL3A1 protein function with a negative predictive value of 95%. In summary, the available evidence is currently insufficient to determine the role of this variant in disease. Therefore, it has been classified as a Variant of Uncertain Significance.

All of Us Research Program, National Institutes of Health
Classification: Uncertain significance for Ehlers-Danlos syndrome, type 4. Last evaluated: 2024-06-11. Review status: criteria provided, single submitter. Criteria: ACMG Guidelines, 2015. Collection method: clinical testing. Allele origin: germline. Inheritance: Autosomal dominant inheritance. Observed: 6 variant alleles, 6 heterozygotes.
Comment: This missense variant replaces proline with threonine at codon 1270 of the COL3A1 protein. Computational prediction is inconclusive regarding the impact of this variant on protein structure and function (internally defined REVEL score threshold 0.5 < inconclusive < 0.7, PMID: 27666373). To our knowledge, functional studies have not been reported for this variant. This variant has been reported in two related individuals affected with vascular Ehlers-Danlos syndrome (PMID: 25758994). This variant has been identified in 1/250230 chromosomes in the general population by the Genome Aggregation Database (gnomAD). The available evidence is insufficient to determine the role of this variant in disease conclusively. Therefore, this variant is classified as a Variant of Uncertain Significance.

This study involves interpretation of variants in research participants for the purpose of population health screening. Participant phenotype was not available at the time of variant classification. Additional details can be found in publication PMID: 35346344, PMCID: PMC8962531

Ambry Genetics
Classification: Uncertain significance for Familial thoracic aortic aneurysm and aortic dissection. Last evaluated: 2024-04-22. Review status: criteria provided, single submitter. Criteria: Ambry Variant Classification Scheme 2023. Collection method: clinical testing. Allele origin: germline.
Comment: The p.P1270T variant (also known as c.3808C>A), located in coding exon 48 of the COL3A1 gene, results from a C to A substitution at nucleotide position 3808. The proline at codon 1270 is replaced by threonine, an amino acid with highly similar properties. This alteration was reported in a vascular Ehlers-Danlos syndrome (EDS) cohort (Frank M et al. Eur J Hum Genet, 2015 Dec;23:1657-64). This amino acid position is highly conserved in available vertebrate species. In addition, the in silico prediction for this alteration is inconclusive. Based on the available evidence, the clinical significance of this variant remains unclear.

GeneDx
Classification: Uncertain significance. Last evaluated: 2023-05-31. Review status: criteria provided, single submitter. Criteria: GeneDx Variant Classification Process June 2021. Collection method: clinical testing. Allele origin: germline. Affected: yes.
Comment: Reported in one individual with skin fragility, easy bruising, joint hypermobility, severe menometrorrhagia, characteristic facial appearance, and no vascular complications in the published literature (Frank et al., 2015); Not observed at significant frequency in large population cohorts (gnomAD); In silico analysis supports that this missense variant has a deleterious effect on protein structure/function; Not located in the triple helical region, where the majority of pathogenic missense variants occur (HGMD); This variant is associated with the following publications: (PMID: 25758994, 34318601)

Color Diagnostics, LLC DBA Color Health
Classification: Uncertain significance for Familial thoracic aortic aneurysm and aortic dissection. Last evaluated: 2023-05-01. Review status: criteria provided, single submitter. Criteria: ACMG Guidelines, 2015. Collection method: clinical testing. Allele origin: germline.
Comment: This missense variant replaces proline with threonine at codon 1270 of the COL3A1 protein. Computational prediction is inconclusive regarding the impact of this variant on protein structure and function (internally defined REVEL score threshold 0.5 < inconclusive < 0.7, PMID: 27666373). To our knowledge, functional studies have not been reported for this variant. This variant has been reported in two related individuals affected with vascular Ehlers-Danlos syndrome (PMID: 25758994). This variant has been identified in 1/250230 chromosomes in the general population by the Genome Aggregation Database (gnomAD). The available evidence is insufficient to determine the role of this variant in disease conclusively. Therefore, this variant is classified as a Variant of Uncertain Significance.

Literature cited by the submitters: PubMed 25758994 (cited by 4 submitters).

NM_000090.4(COL3A1):c.3808C>A (p.Pro1270Thr)

Gene: COL3A1 (collagen type III alpha 1 chain; plus strand). Cytogenetic location: 2q32.2.
Variant type: single nucleotide variant.
Coding change: c.3808C>A on transcript NM_000090.4 (MANE Select); coding-DNA position 3808, C replaced by A.
Protein change: p.Pro1270Thr; replaces proline 1270 with threonine.
Molecular consequence: missense variant.
Genome position (GRCh38, 1-based): chr2:189,009,206, C>A. VCF-style: chr2-189009206-C-A. GRCh37 (hg19) VCF-style: chr2-189873932-C-A.
Other names: short protein forms P1270T.
Identifiers: ClinVar variation 580251 (VCV000580251.20), dbSNP rs756724842, ClinGen allele CA076291.
Genomic context (GRCh38, chr2:189,009,206, plus strand): 5'-AGTCCTGATGGTTCTCGTAAAAACCCCGCTAGAAACTGCAGAGACCTGAAATTCTGCCAT[C>A]CTGAACTCAAGAGTGGTATGTTTGGTAGTCTTTCATCTTCATGGCAATAGGATTACAGAG-3'
Protein context (NP_000081.2, residues 1260-1280): RNCRDLKFCH[Pro1270Thr]ELKSGEYWVD